The following is an entry in ClinVar:

ClinVar aggregate classification (germline): Likely pathogenic (1 of 4 stars; one submission).

Conditions:
Hypercalcemia, infantile, 1 (HCINF1). Identifiers: Orphanet 300547, MedGen CN031131, MONDO:0020739, OMIM 143880.

gnomAD v4.1: 1 of 1,608,248 alleles (0.000062%); highest among the groups gnomAD compares: Non-Finnish European, 0.000085%; no homozygotes.

Submission:

MVZ Medizinische Genetik Mainz
Classification: Likely pathogenic for Hypercalcemia, infantile, 1. Last evaluated: 2025-07-03. Review status: criteria provided, single submitter. Criteria: UK Practice Guidelines For Variant Classification V4 01 2020. Collection method: clinical testing. Allele origin: germline. Inheritance: Autosomal recessive inheritance. Affected: yes. Observed: 1 variant allele.
Comment: ACMG Criteria: PVS1_STR,PM3,PM2_SUP,PP4; Compound Heterozygote

NM_000782.5(CYP24A1):c.258+2T>C

Gene: CYP24A1 (cytochrome P450 family 24 subfamily A member 1; minus strand). Cytogenetic location: 20q13.2.
Variant type: single nucleotide variant.
Coding change: c.258+2T>C on transcript NM_000782.5 (MANE Select); the canonical splice donor site of the intron after coding-DNA position 258, T replaced by C.
Molecular consequence: splice donor variant.
Genome position (GRCh38, 1-based): chr20:54,173,320, A>G on the plus strand (T>C on the coding strand, the complement: CYP24A1 is on the minus strand). VCF-style: chr20-54173320-A-G. GRCh37 (hg19) VCF-style: chr20-52789859-A-G.
Other names: c.258+2T>C (NM_001424340.1, NM_001424341.1, NM_001128915.2 and 2 more transcripts).
Identifiers: ClinVar variation 5038205 (VCV005038205.1).
Genomic context (GRCh38, chr20:54,173,320, plus strand): 5'-TGGAGCGCCACTGGGAGGGCGGAAGAGGGAGGAGAGAGTCAGGGGCGCGAAAAGGGGTTT[A>G]CCAGGGTGTCGTGCTGTTTCTTGAGACCCCCTTTCCAGAGAATCTGCAGCAGGCTGCCCA-3'